The following is an entry in ClinVar:

NM_139027.6(ADAMTS13):c.3400G>A (p.Gly1134Ser)

Gene: ADAMTS13 (ADAM metallopeptidase with thrombospondin type 1 motif 13; plus strand). Cytogenetic location: 9q34.2.
Variant type: single nucleotide variant.
Coding change: c.3400G>A on transcript NM_139027.6 (MANE Select); coding-DNA position 3400, G replaced by A.
Protein change: p.Gly1134Ser; replaces glycine 1134 with serine.
Molecular consequence: missense variant. On other transcripts: non-coding transcript variant (1).
Genome position (GRCh38, 1-based): chr9:133,455,435, G>A. VCF-style: chr9-133455435-G-A. GRCh37 (hg19) VCF-style: chr9-136320557-G-A.
Other names: c.3400G>A, p.Gly1134Ser (NM_139025.5); c.3307G>A, p.Gly1103Ser (NM_139026.6); c.3400G>A (NM_139025.3); short protein forms G1103S, G1134S.
Identifiers: ClinVar variation 2050925 (VCV002050925.7), dbSNP rs782311486, ClinGen allele CA200944106.

ClinVar aggregate classification (germline): Conflicting classifications of pathogenicity. Review status: criteria provided, conflicting classifications (1 of 4 stars). 4 submissions from 4 submitters: Uncertain significance (1); Likely benign (3). Last evaluated 2026-01-22.

Conditions:
Inborn genetic diseases. Identifiers: MedGen C0950123, MeSH D030342.
Upshaw-Schulman syndrome (TTP). Also called: Congenital thrombotic thrombocytopenic purpura; THROMBOTIC THROMBOCYTOPENIC PURPURA, HEREDITARY. Identifiers: Orphanet 93583, MedGen C1268935, MONDO:0010122, OMIM 274150.

Allele frequency attached by ClinVar (database versions not stated): gnomAD 0.00005; TOPMed 0.00017; ExAC 0.00023.
gnomAD v4.1: 106 of 1,612,448 alleles (0.0066%); highest among the groups gnomAD compares: Admixed American, 0.17%; no homozygotes.

Submissions (4):

Labcorp Genetics (formerly Invitae), Labcorp
Classification: Likely benign. Last evaluated: 2026-01-22. Review status: criteria provided, single submitter. Criteria: Invitae Variant Classification Sherloc (09022015). Collection method: clinical testing. Allele origin: germline.

Ambry Genetics
Classification: Likely benign for Inborn genetic diseases. Last evaluated: 2025-10-07. Review status: criteria provided, single submitter. Criteria: Ambry Variant Classification Scheme 2023. Collection method: clinical testing. Allele origin: germline.

Women's Health and Genetics/Laboratory Corporation of America, LabCorp
Classification: Uncertain significance. Last evaluated: 2024-04-22. Review status: criteria provided, single submitter. Criteria: LabCorp Variant Classification Summary - May 2015. Collection method: clinical testing. Allele origin: germline.
Comment: Variant summary: ADAMTS13 c.3400G>A (p.Gly1134Ser) results in a non-conservative amino acid change in the encoded protein sequence. Three of four in-silico tools predict a benign effect of the variant on protein function. The variant allele was found at a frequency of 0.00035 in 246860 control chromosomes. To our knowledge, no occurrence of c.3400G>A in individuals affected with Thrombotic Thrombocytopenic Purpura and no experimental evidence demonstrating its impact on protein function have been reported. ClinVar contains an entry for this variant (Variation ID: 2050925). Based on the evidence outlined above, the variant was classified as uncertain significance.

Fulgent Genetics
Classification: Likely benign for Upshaw-Schulman syndrome. Last evaluated: 2024-04-04. Review status: criteria provided, single submitter. Criteria: ACMG Guidelines, 2015. Collection method: clinical testing. Allele origin: germline.